The following is an entry in ClinVar:

NC_000002.12:g.(?_166195185)_(166204464_?)del

Genes: SCN1A-AS1 (SCN1A and SCN9A antisense RNA 1; plus strand), SCN9A (sodium voltage-gated channel alpha subunit 9; minus strand). Cytogenetic location: 2q24.3.
Variant type: Deletion.
Identifiers: ClinVar variation 417445 (VCV000417445.1).

ClinVar aggregate classification (germline): Uncertain significance (1 of 4 stars; one submission).

Conditions:
Neuropathy, hereditary sensory and autonomic, type 2A (HSAN2A). Also called: WNK1-Related HSAN2 (HSAN2A); ACROOSTEOLYSIS, GIACCAI TYPE; ACROOSTEOLYSIS, NEUROGENIC; MORVAN DISEASE; NEUROPATHY, CONGENITAL SENSORY; NEUROPATHY, HEREDITARY SENSORY RADICULAR, AUTOSOMAL RECESSIVE. Identifiers: Orphanet 970, MedGen C2752089, MONDO:0024309, OMIM 201300.
Generalized epilepsy with febrile seizures plus, type 7 (GEFSP7). Also called: GEFS+, TYPE 7. Identifiers: Orphanet 36387, MedGen C2751778, MONDO:0013470, OMIM 613863.

Submission:

Labcorp Genetics (formerly Invitae), Labcorp
Classification: Uncertain significance for Neuropathy, hereditary sensory and autonomic, type 2A; Generalized epilepsy with febrile seizures plus, type 7. Last evaluated: 2016-10-17. Review status: criteria provided, single submitter. Criteria: Invitae Variant Classification Sherloc (09022015). Collection method: clinical testing. Allele origin: germline.
Comment: This variant is a gross deletion of the genomic region encompassing exons 25-27 of the SCN9A gene. The 5' boundary is likely confined to intron 24. The 3' end of this event is unknown as it extends through the termination codon beyond the assayed region for this gene and may encompass additional genes. While this deletion is not anticipated to result in nonsense mediated decay, it is expected to create a truncated SCN9A protein. This variant has not been reported in the literature in individuals with a SCN9A-related disease. Experimental studies and prediction algorithms are not available for this variant, and the functional significance of the deleted amino acids is currently unknown. In summary, this variant is a novel gross deletion with uncertain impact on protein function. It has been classified as a Variant of Uncertain Significance.